The following is an entry in ClinVar:

ClinVar aggregate classification (germline): Pathogenic (1 of 4 stars; one submission).

Submission:

ISCA Site 6
Classification: Pathogenic. Last evaluated: 2011-08-12. Review status: criteria provided, single submitter. Criteria: Kaminsky et al. (Genet Med. 2011). Collection method: clinical testing. Allele origin: unknown. Affected: yes. Observed: 1 variant allele.
Comment: Copy number variation identified through the course of routine clinical cytogenomic testing in postnatal populations. Clinical assertions have been curated as described in Kaminsky et al. 2011.

GRCh38/hg38 9p24.3-22.2(chr9:220253-18073359)x1

Genes: ADAMTSL1 (ADAMTS like 1; plus strand), AK3 (adenylate kinase 3; minus strand), BNC2 (basonuclin zinc finger protein 2; minus strand), BNC2-AS1 (BNC2 antisense RNA 1; plus strand), BRD10 (bromodomain containing 10; minus strand) and 293 more. Cytogenetic location: 9p24.3-22.2.
Variant type: copy number loss.
Change: copy number 1 (one copy instead of two) of chr9:220,253-18,073,359 (17.85 Mb, GRCh38 coordinates, 1-based), cytogenetic band 9p24.3-22.2.
Identifiers: ClinVar variation 59064 (VCV000059064.2).